The following is an entry in ClinVar:

ClinVar aggregate classification (germline): Pathogenic (1 of 4 stars; one submission).

Conditions:
Hypogonadotropic hypogonadism 2 with or without anosmia (HH2). Also called: FGFR1-Related GnRH Deficiency (Kallmann Syndrome 2); HYPOGONADOTROPIC HYPOGONADISM 2 WITH OR WITHOUT ANOSMIA, SUSCEPTIBILITY TO; HYPOGONADOTROPIC HYPOGONADISM 2 WITHOUT ANOSMIA, SUSCEPTIBILITY TO; HYPOGONADOTROPIC HYPOGONADISM 2 WITHOUT ANOSMIA. Identifiers: Orphanet 478, MedGen C1563720, MONDO:0007844, OMIM 147950. Disease mechanism: loss of function.
Pfeiffer syndrome (ACS5). Also called: ACS V. Identifiers: Orphanet 710, MedGen C0220658, MONDO:0007043, OMIM 101600.

Submission:

Labcorp Genetics (formerly Invitae), Labcorp
Classification: Pathogenic for Pfeiffer syndrome; Hypogonadotropic hypogonadism 2 with or without anosmia. Last evaluated: 2023-07-17. Review status: criteria provided, single submitter. Criteria: Invitae Variant Classification Sherloc (09022015). Collection method: clinical testing. Allele origin: germline.
Comment: For these reasons, this variant has been classified as Pathogenic. This variant has not been reported in the literature in individuals affected with FGFR1-related conditions. This variant is not present in population databases (gnomAD no frequency). This sequence change creates a premature translational stop signal (p.Leu98Profs*10) in the FGFR1 gene. It is expected to result in an absent or disrupted protein product. Loss-of-function variants in FGFR1 are known to be pathogenic (PMID: 12627230).

Literature cited by the submitters: PubMed 12627230.

NM_023110.3(FGFR1):c.279_292dup (p.Leu98fs)

Gene: FGFR1 (fibroblast growth factor receptor 1; minus strand). Cytogenetic location: 8p11.23.
Variant type: Duplication.
Coding change: c.279_292dup on transcript NM_023110.3 (MANE Select); coding-DNA positions 279 to 292, 14 bases duplicated (CGCAGACTCCGGCC).
Protein change: p.Leu98fs; shifts the reading frame from leucine 98.
Molecular consequence: frameshift variant. On other transcripts: intron variant (5).
Genome position (GRCh38, 1-based): chr8:38,429,748-38,429,761, GGCCGGAGTCTGCG duplicated on the plus strand (CGCAGACTCCGGCC on the coding strand, the reverse complement: FGFR1 is on the minus strand); duplicating any 14 consecutive bases within chr8:38,429,748-38,429,764 gives the same sequence; the c. name uses the placement nearest the transcript's 3' end. VCF-style (leftmost placement, unchanged base first): chr8-38429747-A-AGGCCGGAGTCTGCG. GRCh37 (hg19) VCF-style: chr8-38287265-A-AGGCCGGAGTCTGCG.
Other names: c.276_289dup, p.Leu98Profs (NM_000604.2); c.279_292dup, p.Leu98fs (NM_001174063.2, NM_001174065.2, NM_001354367.2 and 3 more transcripts); c.255_268dup, p.Leu90fs (NM_001174064.2); c.378_391dup, p.Leu131fs (NM_001174067.2); c.92-1326_92-1313dup (NM_001354368.2, NM_001354370.2, NM_023106.3 and 2 more transcripts); short protein forms L90fs, L98fs, L131fs.
Identifiers: ClinVar variation 2949952 (VCV002949952.3), dbSNP rs2537261425, ClinGen allele CA2740095002.